The following is an entry in ClinVar:

ClinVar aggregate classification (germline): Uncertain significance (0 of 4 stars; one submission).

Conditions:
EPHB4-related disorder. Also called: EPHB4-related disorders; EPHB4-related condition.

gnomAD v4.1: 1 of 1,614,214 alleles (0.000062%); highest among the groups gnomAD compares: Non-Finnish European, 0.000085%; no homozygotes.

Submission:

PreventionGenetics, part of Exact Sciences
Classification: Uncertain significance for EPHB4-related condition. Last evaluated: 2024-08-26. Review status: no assertion criteria provided. Collection method: clinical testing. Allele origin: germline.
Comment: The EPHB4 c.1973G>A variant is predicted to result in the amino acid substitution p.Arg658Gln. To our knowledge, this variant has not been reported in the literature or in a large population database, indicating this variant is rare. At this time, the clinical significance of this variant is uncertain due to the absence of conclusive functional and genetic evidence.

NM_004444.5(EPHB4):c.1973G>A (p.Arg658Gln)

Gene: EPHB4 (EPH receptor B4; minus strand). Cytogenetic location: 7q22.1.
Variant type: single nucleotide variant.
Coding change: c.1973G>A on transcript NM_004444.5 (MANE Select); coding-DNA position 1973, G replaced by A.
Protein change: p.Arg658Gln; replaces arginine 658 with glutamine.
Molecular consequence: missense variant.
Genome position (GRCh38, 1-based): chr7:100,812,892, C>T on the plus strand (G>A on the coding strand, the complement: EPHB4 is on the minus strand). VCF-style: chr7-100812892-C-T. GRCh37 (hg19) VCF-style: chr7-100410514-C-T.
Other names: short protein forms R658Q.
Identifiers: ClinVar variation 3347088 (VCV003347088.1).
Genomic context (GRCh38, chr7:100,812,892, plus strand): 5'-CGGATGATATTGGGGTGCTCGAACTGGCCCATGATGGAGGCCTCGCTCAGAAACTCACGC[C>T]GCTGCCGCTCCGTGTAGCCACCCTTCAGGGTCTTGATTGCCACACAGCTCTCCTTCTTCC-3'
Protein context (NP_004435.3, residues 648-668): TLKGGYTERQ[Arg658Gln]REFLSEASIM